The following is an entry in ClinVar:

ClinVar aggregate classification (germline): Conflicting classifications of pathogenicity. Review status: criteria provided, conflicting classifications (1 of 4 stars). 2 submissions from 2 submitters: Uncertain significance (1); Likely benign (1). Last evaluated 2024-09-21.

Submissions (2):

Labcorp Genetics (formerly Invitae), Labcorp
Classification: Uncertain significance. Last evaluated: 2024-09-21. Review status: criteria provided, single submitter. Criteria: Invitae Variant Classification Sherloc (09022015). Collection method: clinical testing. Allele origin: germline.
Comment: This sequence change replaces alanine, which is neutral and non-polar, with valine, which is neutral and non-polar, at codon 63 of the CDK13 protein (p.Ala63Val). This variant is not present in population databases (gnomAD no frequency). This variant has not been reported in the literature in individuals affected with CDK13-related conditions. Invitae Evidence Modeling of protein sequence and biophysical properties (such as structural, functional, and spatial information, amino acid conservation, physicochemical variation, residue mobility, and thermodynamic stability) indicates that this missense variant is not expected to disrupt CDK13 protein function with a negative predictive value of 95%. In summary, the available evidence is currently insufficient to determine the role of this variant in disease. Therefore, it has been classified as a Variant of Uncertain Significance.

Blueprint Genetics
Classification: Likely benign. Last evaluated: 2021-03-25. Review status: criteria provided, single submitter. Criteria: ACMG Guidelines, 2015. Collection method: clinical testing. Allele origin: germline.

NM_003718.5(CDK13):c.188C>T (p.Ala63Val)

Gene: CDK13 (cyclin dependent kinase 13; plus strand). Cytogenetic location: 7p14.1.
Variant type: single nucleotide variant.
Coding change: c.188C>T on transcript NM_003718.5 (MANE Select); coding-DNA position 188, C replaced by T.
Protein change: p.Ala63Val; replaces alanine 63 with valine.
Molecular consequence: missense variant.
Genome position (GRCh38, 1-based): chr7:39,950,829, C>T. VCF-style: chr7-39950829-C-T. GRCh37 (hg19) VCF-style: chr7-39990428-C-T.
Other names: c.188C>T, p.Ala63Val (NM_031267.4); short protein forms A63V.
Identifiers: ClinVar variation 3681511 (VCV003681511.3).
Genomic context (GRCh38, chr7:39,950,829, plus strand): 5'-TCCTGCAGCCGCAGCTCCTGCAACCGCCGCCGCCCCCGCCGCCTCTGCTCTTCCTGGCTG[C>T]TCCCGGCACGGCCGCCGCCGCAGCCGCCGCCGCCGCGGCCTCCTCCTCTTGCTTCAGCCC-3'
Protein context (NP_003709.3, residues 53-73): PPPPPLLFLA[Ala63Val]PGTAAAAAAA